The following is an entry in ClinVar:

ClinVar aggregate classification (germline): Uncertain significance. Review status: criteria provided, multiple submitters, no conflicts (2 of 4 stars). 2 submissions from 2 submitters: Uncertain significance (2). Last evaluated 2024-02-17.

Conditions:
Inborn genetic diseases. Identifiers: MedGen C0950123, MeSH D030342.

Allele frequency attached by ClinVar (database versions not stated): ExAC 0.00001; TOPMed 0.00001.

Submissions (2):

Ambry Genetics
Classification: Uncertain significance for Inborn genetic diseases. Last evaluated: 2024-02-17. Review status: criteria provided, single submitter. Criteria: Ambry Variant Classification Scheme 2023. Collection method: clinical testing. Allele origin: germline.

CeGaT Center for Human Genetics Tuebingen
Classification: Uncertain significance. Last evaluated: 2023-09-01. Review status: criteria provided, single submitter. Criteria: CeGaT Center For Human Genetics Tuebingen Variant Classification Criteria Version 2. Collection method: clinical testing. Allele origin: germline. Affected: yes. Observed: 1 variant allele.
Comment: POLR2A: PM2, PP2

NM_000937.5(POLR2A):c.721C>T (p.Arg241Cys)

Gene: POLR2A (RNA polymerase II subunit A; plus strand). Cytogenetic location: 17p13.1.
Variant type: single nucleotide variant.
Coding change: c.721C>T on transcript NM_000937.5 (MANE Select); coding-DNA position 721, C replaced by T.
Protein change: p.Arg241Cys; replaces arginine 241 with cysteine.
Molecular consequence: missense variant.
Genome position (GRCh38, 1-based): chr17:7,496,947, C>T. VCF-style: chr17-7496947-C-T. GRCh37 (hg19) VCF-style: chr17-7400266-C-T.
Other names: c.721C>T (NM_000937.4); short protein forms R241C.
Identifiers: ClinVar variation 2647342 (VCV002647342.25), dbSNP rs780933644, ClinGen allele CA8349251.